The following is an entry in ClinVar:

NM_000283.4(PDE6B):c.2301C>T (p.Leu767=)

Gene: PDE6B (phosphodiesterase 6B; plus strand). Cytogenetic location: 4p16.3.
Variant type: single nucleotide variant.
Coding change: c.2301C>T on transcript NM_000283.4 (MANE Select); coding-DNA position 2301, C replaced by T.
Protein change: p.Leu767=; no amino-acid change (leucine 767 retained).
Molecular consequence: synonymous variant.
Genome position (GRCh38, 1-based): chr4:666,563, C>T. VCF-style: chr4-666563-C-T. GRCh37 (hg19) VCF-style: chr4-660352-C-T.
Other names: c.2301C>T, p.Leu767= (NM_001145291.2, NM_001440547.1, NM_001440548.1); c.1464C>T, p.Leu488= (NM_001145292.2, NM_001350154.3, NM_001379246.1 and 1 more transcripts); c.1146C>T, p.Leu382= (NM_001350155.3).
Identifiers: ClinVar variation 4982179 (VCV004982179.1).
Genomic context (GRCh38, chr4:666,563, plus strand): 5'-TTCTCCCGCCCTCTGTTCCTCCCACCAGCCTATGATGGACCGGAACAAGGCGGCCGAGCT[C>T]CCCAAGCTGCAAGTGGGCTTCATCGACTTCGTGTGCACATTCGTGTACAAGGCGAGTGGT-3'
Protein context (NP_000274.3, residues 757-777): PMMDRNKAAE[Leu767=]PKLQVGFIDF

ClinVar aggregate classification (germline): Likely benign (1 of 4 stars; one submission).

Conditions:
PDE6B-related disorder. Also called: PDE6B-related disorders; PDE6B-related disease; PDE6B-related condition.

gnomAD v4.1: 8 of 1,613,322 alleles (0.0005%); highest among the groups gnomAD compares: South Asian, 0.0044%; no homozygotes.

Submission:

PreventionGenetics, part of Exact Sciences
Classification: Likely benign for PDE6B-related condition. Last evaluated: 2025-01-22. Review status: criteria provided, single submitter. Criteria: ACMG Guidelines, 2015. Collection method: clinical testing. Allele origin: germline.
Comment: This variant is classified as likely benign based on ACMG/AMP sequence variant interpretation guidelines (Richards et al. 2015 PMID: 25741868, with internal and published modifications).